The following is an entry in ClinVar:

ClinVar aggregate classification (germline): Uncertain significance (1 of 4 stars; one submission).

Conditions:
Ellis-van Creveld syndrome (EVC). Also called: EVC-Related Ellis-van Creveld Syndrome; EVC2-Related Ellis-van Creveld Syndrome; MESOECTODERMAL DYSPLASIA; Chondroectodermal dysplasia. Identifiers: Orphanet 289, MedGen C0013903, MONDO:0009162, OMIM 225500.
Curry-Hall syndrome (WAD). Also called: WEYERS ACRODENTAL DYSOSTOSIS. Identifiers: Orphanet 952, MedGen C0457013, MONDO:0008673, OMIM 193530.

Allele frequency attached by ClinVar (database versions not stated): gnomAD exomes below 0.00001; TOPMed below 0.00001; ExAC 0.00001; ESP Exome Variant Server 0.00008.

Submission:

Labcorp Genetics (formerly Invitae), Labcorp
Classification: Uncertain significance for Curry-Hall syndrome; Ellis-van Creveld syndrome. Last evaluated: 2024-03-19. Review status: criteria provided, single submitter. Criteria: Invitae Variant Classification Sherloc (09022015). Collection method: clinical testing. Allele origin: germline.
Comment: This sequence change replaces serine, which is neutral and polar, with asparagine, which is neutral and polar, at codon 712 of the EVC2 protein (p.Ser712Asn). This variant is present in population databases (rs371896802, gnomAD 0.002%). This variant has not been reported in the literature in individuals affected with EVC2-related conditions. ClinVar contains an entry for this variant (Variation ID: 1493682). An algorithm developed to predict the effect of missense changes on protein structure and function (PolyPhen-2) suggests that this variant is likely to be tolerated. In summary, the available evidence is currently insufficient to determine the role of this variant in disease. Therefore, it has been classified as a Variant of Uncertain Significance.

NM_147127.5(EVC2):c.2135G>A (p.Ser712Asn)

Gene: EVC2 (EvC ciliary complex subunit 2; minus strand). Cytogenetic location: 4p16.2.
Variant type: single nucleotide variant.
Coding change: c.2135G>A on transcript NM_147127.5 (MANE Select); coding-DNA position 2135, G replaced by A.
Protein change: p.Ser712Asn; replaces serine 712 with asparagine.
Molecular consequence: missense variant.
Genome position (GRCh38, 1-based): chr4:5,622,903, C>T on the plus strand (G>A on the coding strand, the complement: EVC2 is on the minus strand). VCF-style: chr4-5622903-C-T. GRCh37 (hg19) VCF-style: chr4-5624630-C-T.
Other names: c.1895G>A, p.Ser632Asn (NM_001166136.2); short protein forms S632N, S712N.
Identifiers: ClinVar variation 1493682 (VCV001493682.6), dbSNP rs371896802, ClinGen allele CA2834798.